The following is an entry in ClinVar:

ClinVar aggregate classification (germline): Uncertain significance. Review status: criteria provided, multiple submitters, no conflicts (2 of 4 stars). 3 submissions from 3 submitters: Uncertain significance (3). Last evaluated 2024-01-29.

Conditions:
Donnai-Barrow syndrome. Also called: DBS/FOAR SYNDROME; FACIOOCULOACOUSTICORENAL SYNDROME. Identifiers: Orphanet 2143, MedGen C1857277, MONDO:0009104, OMIM 222448.
Inborn genetic diseases. Identifiers: MedGen C0950123, MeSH D030342.

Allele frequency attached by ClinVar (database versions not stated): gnomAD 0.00001.
gnomAD v4.1: 12 of 1,613,154 alleles (0.00074%); highest among the groups gnomAD compares: Admixed American, 0.0033%; no homozygotes.

Submissions (3):

Fulgent Genetics
Classification: Uncertain significance for Donnai-Barrow syndrome. Last evaluated: 2024-01-29. Review status: criteria provided, single submitter. Criteria: ACMG Guidelines, 2015. Collection method: clinical testing. Allele origin: germline.

Labcorp Genetics (formerly Invitae), Labcorp
Classification: Uncertain significance. Last evaluated: 2023-11-27. Review status: criteria provided, single submitter. Criteria: Invitae Variant Classification Sherloc (09022015). Collection method: clinical testing. Allele origin: germline.
Comment: This sequence change replaces arginine, which is basic and polar, with glutamine, which is neutral and polar, at codon 3791 of the LRP2 protein (p.Arg3791Gln). This variant is present in population databases (no rsID available, gnomAD 0.003%). This variant has not been reported in the literature in individuals affected with LRP2-related conditions. ClinVar contains an entry for this variant (Variation ID: 1945978). Advanced modeling of protein sequence and biophysical properties (such as structural, functional, and spatial information, amino acid conservation, physicochemical variation, residue mobility, and thermodynamic stability) performed at Invitae indicates that this missense variant is not expected to disrupt LRP2 protein function with a negative predictive value of 95%. In summary, the available evidence is currently insufficient to determine the role of this variant in disease. Therefore, it has been classified as a Variant of Uncertain Significance.

Ambry Genetics
Classification: Uncertain significance for Inborn genetic diseases. Last evaluated: 2021-12-03. Review status: criteria provided, single submitter. Criteria: Ambry Variant Classification Scheme 2023. Collection method: clinical testing. Allele origin: germline.

NM_004525.3(LRP2):c.11372G>A (p.Arg3791Gln)

Gene: LRP2 (LDL receptor related protein 2; minus strand). Cytogenetic location: 2q31.1.
Variant type: single nucleotide variant.
Coding change: c.11372G>A on transcript NM_004525.3 (MANE Select); coding-DNA position 11372, G replaced by A.
Protein change: p.Arg3791Gln; replaces arginine 3791 with glutamine.
Molecular consequence: missense variant.
Genome position (GRCh38, 1-based): chr2:169,170,559, C>T on the plus strand (G>A on the coding strand, the complement: LRP2 is on the minus strand). VCF-style: chr2-169170559-C-T. GRCh37 (hg19) VCF-style: chr2-170027069-C-T.
Other names: short protein forms R3791Q.
Identifiers: ClinVar variation 1945978 (VCV001945978.5), dbSNP rs774602773, ClinGen allele CA349141981.
Genomic context (GRCh38, chr2:169,170,559, plus strand): 5'-CTACACTGTCACAGTACAAAATTCTATGGTAAGCTTCTCAAATGACAGTTACCACAGTCC[C>T]GTTCATCTGAGTTGTCCCCACAGTCGTTGTAATGGTCACAGATCCATCGCGAGGGAATGC-3'
Protein context (NP_004516.2, residues 3781-3801): YNDCGDNSDE[Arg3791Gln]DCEMRTCHPE